The following is an entry in ClinVar:

ClinVar aggregate classification (germline): Uncertain significance (1 of 4 stars; one submission).

Submission:

GeneDx
Classification: Uncertain significance. Last evaluated: 2026-08-06. Review status: criteria provided, single submitter. Criteria: GeneDx Variant Classification Process June 2021. Collection method: clinical testing. Allele origin: germline.
Comment: Not observed at significant frequency in large population cohorts (gnomAD); In silico analysis supports that this missense variant has a deleterious effect on protein structure/function; Has not been previously published as pathogenic or benign to our knowledge

NM_017662.5(TRPM6):c.872T>A (p.Leu291Gln)

Gene: TRPM6 (transient receptor potential cation channel subfamily M member 6; minus strand). Cytogenetic location: 9q21.13.
Variant type: single nucleotide variant.
Coding change: c.872T>A on transcript NM_017662.5 (MANE Select); coding-DNA position 872, T replaced by A.
Protein change: p.Leu291Gln; replaces leucine 291 with glutamine.
Molecular consequence: missense variant.
Genome position (GRCh38, 1-based): chr9:74,821,807, A>T on the plus strand (T>A on the coding strand, the complement: TRPM6 is on the minus strand). VCF-style: chr9-74821807-A-T. GRCh37 (hg19) VCF-style: chr9-77436723-A-T.
Other names: c.857T>A, p.Leu286Gln (NM_001177310.2, NM_001177311.2); short protein forms L286Q, L291Q.
Identifiers: ClinVar variation 4527543 (VCV004527543.2).